The following is an entry in ClinVar:

NM_000018.4(ACADVL):c.1246G>C (p.Ala416Pro)

Gene: ACADVL (acyl-CoA dehydrogenase very long chain; plus strand). Cytogenetic location: 17p13.1.
Variant type: single nucleotide variant.
Coding change: c.1246G>C on transcript NM_000018.4 (MANE Select); coding-DNA position 1246, G replaced by C.
Protein change: p.Ala416Pro; replaces alanine 416 with proline.
Molecular consequence: missense variant.
Genome position (GRCh38, 1-based): chr17:7,223,707, G>C. VCF-style: chr17-7223707-G-C. GRCh37 (hg19) VCF-style: chr17-7127026-G-C.
Other names: c.1180G>C, p.Ala394Pro (NM_001033859.3); c.1315G>C, p.Ala439Pro (NM_001270447.2); c.1018G>C, p.Ala340Pro (NM_001270448.2); short protein forms A340P, A394P, A416P, A439P.
Identifiers: ClinVar variation 3340039 (VCV003340039.1).

ClinVar aggregate classification (germline): Uncertain significance (1 of 4 stars; one submission).

Submission:

Women's Health and Genetics/Laboratory Corporation of America, LabCorp
Classification: Uncertain significance. Last evaluated: 2024-06-17. Review status: criteria provided, single submitter. Criteria: LabCorp Variant Classification Summary - May 2015. Collection method: clinical testing. Allele origin: germline.
Comment: Variant summary: ACADVL c.1246G>C (p.Ala416Pro) results in a non-conservative amino acid change located in the Acyl-CoA dehydrogenase/oxidase, C-terminal domain (IPR009075) of the encoded protein sequence. Five of five in-silico tools predict a damaging effect of the variant on protein function. The variant was absent in 251462 control chromosomes. The available data on variant occurrences in the general population are insufficient to allow any conclusion about variant significance. To our knowledge, no occurrence of c.1246G>C in individuals affected with Very Long Chain Acyl-CoA Dehydrogenase Deficiency and no experimental evidence demonstrating its impact on protein function have been reported. No submitters have cited clinical-significance assessments for this variant to ClinVar. Based on the evidence outlined above, the variant was classified as uncertain significance.